The following is an entry in ClinVar:

NM_018136.5(ASPM):c.4381C>T (p.Gln1461Ter)

Gene: ASPM (assembly factor for spindle microtubules; minus strand). Cytogenetic location: 1q31.3.
Variant type: single nucleotide variant.
Coding change: c.4381C>T on transcript NM_018136.5 (MANE Select); coding-DNA position 4381, C replaced by T.
Protein change: p.Gln1461Ter; replaces glutamine 1461 with a stop codon.
Molecular consequence: nonsense. On other transcripts: intron variant (1).
Genome position (GRCh38, 1-based): chr1:197,104,870, G>A on the plus strand (C>T on the coding strand, the complement: ASPM is on the minus strand). VCF-style: chr1-197104870-G-A. GRCh37 (hg19) VCF-style: chr1-197074000-G-A.
Other names: c.4066-8706C>T (NM_001206846.2); short protein forms Q1461*.
Identifiers: ClinVar variation 1338478 (VCV001338478.4), dbSNP rs2125096695, ClinGen allele CA344030694.

ClinVar aggregate classification (germline): Pathogenic (1 of 4 stars; one submission).

Submission:

Genetic Services Laboratory, University of Chicago
Classification: Pathogenic. Last evaluated: 2019-01-10. Review status: criteria provided, single submitter. Criteria: ACMG Guidelines, 2015. Collection method: clinical testing. Allele origin: germline. Affected: yes.
Comment: DNA sequence analysis of the ASPM gene demonstrated a truncating, pathogenic sequence changes, c.4381C>T, which results in the creation of a premature stop codon at amino acid position 1461, p.Gln1461*. This pathogenic sequence change is predicted to result in an abnormal transcript, which may be degraded, or may lead to the production of a truncated ASPM protein with potentially abnormal function. This sequence change does not appear to have been previously described in patients with ASPM-related disorders and has not been reported in population databases such as ExAC or gnomAD.